The following is an entry in ClinVar:

NM_003462.5(DNALI1):c.568G>T (p.Glu190Ter)

Gene: DNALI1 (dynein axonemal light intermediate chain 1; plus strand). Cytogenetic location: 1p34.3.
Variant type: single nucleotide variant.
Coding change: c.568G>T on transcript NM_003462.5 (MANE Select); coding-DNA position 568, G replaced by T.
Protein change: p.Glu190Ter; replaces glutamic acid 190 with a stop codon.
Molecular consequence: nonsense.
Genome position (GRCh38, 1-based): chr1:37,561,727, G>T. VCF-style: chr1-37561727-G-T. GRCh37 (hg19) VCF-style: chr1-38027328-G-T.
Other names: short protein forms E190*.
Identifiers: ClinVar variation 4849363 (VCV004849363.1).

ClinVar aggregate classification (germline): Likely pathogenic (1 of 4 stars; one submission).

Conditions:
Spermatogenic failure 83 (SPGF83). Identifiers: MedGen C5830470, MONDO:0957250, OMIM 620354.

gnomAD v4.1: 71 of 1,613,612 alleles (0.0044%); highest among the groups gnomAD compares: Non-Finnish European, 0.0058%; no homozygotes.

Submission:

First Genomix Gene Laboratory, Genetic Diagnostics Department
Classification: Likely pathogenic for Spermatogenic failure 83. Last evaluated: 2025-07-16. Review status: criteria provided, single submitter. Criteria: ACMG Guidelines, 2015. Collection method: clinical testing. Allele origin: germline. Inheritance: Autosomal recessive inheritance. Affected: no. Observed: 1 variant allele.